The following is an entry in ClinVar:

NM_001267550.2(TTN):c.84461C>T (p.Pro28154Leu)

Genes: TTN (titin; minus strand), TTN-AS1 (TTN antisense RNA 1; plus strand). Cytogenetic location: 2q31.2.
Variant type: single nucleotide variant.
Coding change: c.84461C>T on transcript NM_001267550.2 (MANE Select); coding-DNA position 84461, C replaced by T.
Protein change: p.Pro28154Leu; replaces proline 28154 with leucine.
Molecular consequence: missense variant.
Genome position (GRCh38, 1-based): chr2:178,561,671, G>A on the plus strand (C>T on the coding strand, the complement: TTN is on the minus strand). VCF-style: chr2-178561671-G-A. GRCh37 (hg19) VCF-style: chr2-179426398-G-A.
Other names: p.P25586L:CCC>CTC; c.79538C>T, p.Pro26513Leu (NM_001256850.1); c.57266C>T, p.Pro19089Leu (NM_003319.4); c.76757C>T, p.Pro25586Leu (NM_133378.4); c.57641C>T, p.Pro19214Leu (NM_133432.3); c.57842C>T, p.Pro19281Leu (NM_133437.4); short protein forms P28154L, P25586L, P26513L, P19089L, P19214L, P19281L.
Identifiers: ClinVar variation 47437 (VCV000047437.54), dbSNP rs200350579, ClinGen allele CA140992.

ClinVar aggregate classification (germline): Benign/Likely benign. Review status: criteria provided, multiple submitters, no conflicts (2 of 4 stars). 18 submissions from 15 submitters: Benign (10); Likely benign (6). 2 of the submissions do not count toward it. Last evaluated 2026-01-27.

Conditions:
Dilated cardiomyopathy 1G (CMD1G). Identifiers: Orphanet 154, MedGen C1858763, MONDO:0011400, OMIM 604145.
Autosomal recessive limb-girdle muscular dystrophy type 2J (LGMDR10). Also called: MUSCULAR DYSTROPHY, LIMB-GIRDLE, AUTOSOMAL RECESSIVE 10; Limb-girdle muscular dystrophy, type 2J. Identifiers: Orphanet 140922, MedGen C1837342, MONDO:0012127, OMIM 608807.
Cardiovascular phenotype. Identifiers: MedGen CN230736.
Cardiomyopathy (CMYO). Also called: Cardiomyopathies. Identifiers: Orphanet 167848, MedGen C0878544, MONDO:0004994, HP:0001638. Inheritance: Various modes of inheritance.
Early-onset myopathy with fatal cardiomyopathy (CMYO5). Also called: CONGENITAL MYOPATHY 5 WITH CARDIOMYOPATHY; Salih Myopathy. Identifiers: Orphanet 289377, MedGen C2673677, MONDO:0012714, OMIM 611705. Disease mechanism: loss of function.
Myopathy, myofibrillar, 9, with early respiratory failure (MFM9). Also called: Myopathy, distal, with early respiratory failure, autosomal dominant; Hereditary myopathy with early respiratory failure; MYOPATHY, PROXIMAL, WITH EARLY RESPIRATORY MUSCLE INVOLVEMENT; EDSTROM MYOPATHY. Identifiers: Orphanet 178464, Orphanet 34521, MedGen C1863599, MONDO:0011362, OMIM 603689.
Tibial muscular dystrophy (TMD). Also called: Udd Distal Myopathy – Tibial Muscular Dystrophy; Tibial muscular dystrophy, tardive; UDD MYOPATHY. Identifiers: Orphanet 609, MedGen C1838244, MONDO:0010870, OMIM 600334.
Heart failure. Identifiers: MedGen C0018801, MONDO:0005252.

Allele frequency attached by ClinVar (database versions not stated): gnomAD exomes 0.00019 and 0.00053; ExAC 0.00071; 1000 Genomes Project 0.00120; ESP Exome Variant Server 0.00208; gnomAD 0.00220 and 0.00238; 1000 Genomes Project 30x 0.00125; TOPMed 0.00217.
gnomAD v4.1: 605 of 1,606,676 alleles (0.038%); highest among the groups gnomAD compares: African/African-American, 0.77%; 4 homozygotes.

Submissions (18):

Labcorp Genetics (formerly Invitae), Labcorp
Classification: Benign for Dilated cardiomyopathy 1G; Autosomal recessive limb-girdle muscular dystrophy type 2J. Last evaluated: 2026-01-27. Review status: criteria provided, single submitter. Criteria: Invitae Variant Classification Sherloc (09022015). Collection method: clinical testing. Allele origin: germline.

Women's Health and Genetics/Laboratory Corporation of America, LabCorp
Classification: Likely benign. Last evaluated: 2025-11-10. Review status: criteria provided, single submitter. Criteria: LabCorp Variant Classification Summary - May 2015. Collection method: clinical testing. Allele origin: germline.
Comment: Variant summary: TTN c.76757C>T (p.Pro25586Leu) results in a non-conservative amino acid change in the encoded protein sequence. Algorithms developed to predict the effect of missense changes on protein structure and function are either unavailable or do not agree on the potential impact of this missense change. The variant allele was found at a frequency of 0.00053 in 243108 control chromosomes, predominantly at a frequency of 0.0083 within the African or African-American subpopulation in the gnomAD database. The observed variant frequency within African or African-American control individuals in the gnomAD database exceeds the estimated maximal expected allele frequency for disease-causing variants in TTN. To our knowledge, no occurrence of c.76757C>T in individuals affected with TTN-related conditions and no experimental evidence demonstrating its impact on protein function have been reported. The following publication has been ascertained in the context of this evaluation (PMID: 27843123). ClinVar contains an entry for this variant (Variation ID: 47437). Based on the evidence outlined above, the variant was classified as likely benign.

Molecular Diagnostic Laboratory for Inherited Cardiovascular Disease, Montreal Heart Institute
Classification: Benign. Last evaluated: 2025-04-09. Review status: criteria provided, single submitter. Criteria: ACMG Guidelines, 2015. Collection method: clinical testing. Allele origin: germline. Affected: no.

Blueprint Genetics
Classification: Likely benign. Last evaluated: 2023-12-05. Review status: criteria provided, single submitter. Criteria: ACMG Guidelines, 2015. Collection method: clinical testing. Allele origin: germline.

CeGaT Center for Human Genetics Tuebingen
Classification: Likely benign. Last evaluated: 2023-12-01. Review status: criteria provided, single submitter. Criteria: CeGaT Center For Human Genetics Tuebingen Variant Classification Criteria Version 2. Collection method: clinical testing. Allele origin: germline. Affected: yes. Observed: 1 variant allele.
Comment: TTN: BS1

CHEO Genetics Diagnostic Laboratory, Children's Hospital of Eastern Ontario
Classification: Benign for Cardiomyopathy. Last evaluated: 2023-01-09. Review status: criteria provided, single submitter. Criteria: ACMG Guidelines, 2015. Collection method: clinical testing. Allele origin: germline. Study: Canadian Open Genetics Repository.

Genome-Nilou Lab
Classification: Benign for Autosomal recessive limb-girdle muscular dystrophy type 2J. Last evaluated: 2021-09-10. Review status: criteria provided, single submitter. Criteria: ACMG Guidelines, 2015. Collection method: clinical testing. Allele origin: germline. Affected: no.

Genome-Nilou Lab
Classification: Benign for Myopathy, myofibrillar, 9, with early respiratory failure. Last evaluated: 2021-09-10. Review status: criteria provided, single submitter. Criteria: ACMG Guidelines, 2015. Collection method: clinical testing. Allele origin: germline. Affected: no.

Genome-Nilou Lab
Classification: Benign for Early-onset myopathy with fatal cardiomyopathy. Last evaluated: 2021-09-10. Review status: criteria provided, single submitter. Criteria: ACMG Guidelines, 2015. Collection method: clinical testing. Allele origin: germline. Affected: no.

Genome-Nilou Lab
Classification: Benign for Tibial muscular dystrophy. Last evaluated: 2021-09-10. Review status: criteria provided, single submitter. Criteria: ACMG Guidelines, 2015. Collection method: clinical testing. Allele origin: germline. Affected: no.

GeneDx
Classification: Likely benign. Last evaluated: 2021-03-02. Review status: criteria provided, single submitter. Criteria: GeneDx Variant Classification Process June 2021. Collection method: clinical testing. Allele origin: germline. Affected: yes.

Ambry Genetics
Classification: Benign for Cardiovascular phenotype. Last evaluated: 2018-10-30. Review status: criteria provided, single submitter. Criteria: Ambry Variant Classification Scheme 2023. Collection method: clinical testing. Allele origin: germline.

Center for Advanced Laboratory Medicine, UC San Diego Health, University of California San Diego
Classification: Likely benign for Heart failure. Last evaluated: 2018-07-03. Review status: criteria provided, single submitter. Criteria: ACMG Guidelines, 2015. Collection method: clinical testing. Allele origin: germline. Affected: yes. Observed: 2 variant alleles.

Athena Diagnostics
Classification: Benign. Last evaluated: 2017-01-24. Review status: criteria provided, single submitter. Criteria: Athena Diagnostics Criteria. Collection method: clinical testing. Allele origin: germline.

Laboratory for Molecular Medicine, Mass General Brigham Personalized Medicine
Classification: Likely benign. Last evaluated: 2015-06-25. Review status: criteria provided, single submitter. Criteria: LMM Criteria. Collection method: clinical testing. Allele origin: germline. Observed: 4 variant alleles.
Comment: p.Pro25586Leu in exon 275 of TTN: This variant is not expected to have clinical significance because it has been identified in 0.85% (83/9754) of African chromo somes by the Exome Aggregation Consortium (ExAC) .

Eurofins Ntd Llc (ga)
Classification: Benign. Last evaluated: 2013-05-29. Review status: criteria provided, single submitter. Criteria: EGL Classification Definitions 2015. Collection method: clinical testing. Allele origin: germline. Observed: 1 variant allele, 1 heterozygote.

Clinical Genetics DNA and cytogenetics Diagnostics Lab, Erasmus MC, Erasmus Medical Center
Classification: Benign. Review status: no assertion criteria provided. Collection method: clinical testing. Allele origin: germline. Affected: yes. Study: VKGL Data-share Consensus. Not counted in ClinVar's aggregate classification.

Clinical Genetics, Academic Medical Center
Classification: Benign. Review status: no assertion criteria provided. Collection method: clinical testing. Allele origin: germline. Affected: yes. Study: VKGL Data-share Consensus. Not counted in ClinVar's aggregate classification.

Literature cited by the submitters: PubMed 27843123 (cited by Women's Health and Genetics/Laboratory Corporation of America, LabCorp).